The following is an entry in ClinVar:

ClinVar aggregate classification (germline): Uncertain significance (1 of 4 stars; one submission).

Conditions:
Medium-chain acyl-coenzyme A dehydrogenase deficiency (ACADMD). Also called: ACADM DEFICIENCY; MCADD; MCAD Deficiency; CARNITINE DEFICIENCY SECONDARY TO MEDIUM-CHAIN ACYL-CoA DEHYDROGENASE DEFICIENCY; Medium chain acyl-CoA dehydrogenase deficiency; MCADH DEFICIENCY. Identifiers: Orphanet 42, MedGen C0220710, MONDO:0008721, OMIM 201450.

gnomAD v4.1: 2 of 1,613,910 alleles (0.00012%); highest among the groups gnomAD compares: Non-Finnish European, 0.00017%; no homozygotes.

Submission:

Labcorp Genetics (formerly Invitae), Labcorp
Classification: Uncertain significance for Medium-chain acyl-coenzyme A dehydrogenase deficiency. Last evaluated: 2022-09-27. Review status: criteria provided, single submitter. Criteria: Invitae Variant Classification Sherloc (09022015). Collection method: clinical testing. Allele origin: germline.
Comment: This sequence change replaces alanine, which is neutral and non-polar, with proline, which is neutral and non-polar, at codon 215 of the ACADM protein (p.Ala215Pro). This variant is not present in population databases (gnomAD no frequency). This variant has not been reported in the literature in individuals affected with ACADM-related conditions. Advanced modeling of protein sequence and biophysical properties (such as structural, functional, and spatial information, amino acid conservation, physicochemical variation, residue mobility, and thermodynamic stability) performed at Invitae indicates that this missense variant is not expected to disrupt ACADM protein function. In summary, the available evidence is currently insufficient to determine the role of this variant in disease. Therefore, it has been classified as a Variant of Uncertain Significance.

NM_000016.6(ACADM):c.643G>C (p.Ala215Pro)

Gene: ACADM (acyl-CoA dehydrogenase medium chain; plus strand). Cytogenetic location: 1p31.1.
Variant type: single nucleotide variant.
Coding change: c.643G>C on transcript NM_000016.6 (MANE Select); coding-DNA position 643, G replaced by C.
Protein change: p.Ala215Pro; replaces alanine 215 with proline.
Molecular consequence: missense variant.
Genome position (GRCh38, 1-based): chr1:75,745,849, G>C. VCF-style: chr1-75745849-G-C. GRCh37 (hg19) VCF-style: chr1-76211534-G-C.
Other names: c.655G>C, p.Ala219Pro (NM_001127328.3); c.535G>C, p.Ala179Pro (NM_001286042.2); c.742G>C, p.Ala248Pro (NM_001286043.2); c.76G>C, p.Ala26Pro (NM_001286044.2); short protein forms A248P, A179P, A215P, A219P, A26P.
Identifiers: ClinVar variation 2067312 (VCV002067312.1), dbSNP rs2525636066, ClinGen allele CA340815964.